The following is an entry in ClinVar:

ClinVar aggregate classification (germline): Uncertain significance (1 of 4 stars; one submission).

Conditions:
MELAS syndrome (MELAS). Also called: Juvenile myopathy, encephalopathy, lactic acidosis, stroke. Identifiers: Orphanet 550, MedGen C0162671, MONDO:0010789, OMIM 540000.

Submission:

Wong Mito Lab, Molecular and Human Genetics, Baylor College of Medicine
Classification: Uncertain significance for MELAS syndrome. Last evaluated: 2019-07-12. Review status: criteria provided, single submitter. Criteria: Modified ACMG Guidelines (Unpublished). Collection method: clinical testing. Allele origin: germline.
Comment: The NC_012920.1:m.7525T>C variant in MT-TD gene is interpreted to be a Unknown Significance variant based on the modified ACMG guidelines (unpublished). This variant meets the following evidence codes reported in the guidelines: PP3, PP7

Literature cited by the submitters: PubMed 31965079.

NC_012920.1(MT-TD):m.7525T>C

Gene: MT-TD (mitochondrially encoded tRNA aspartic acid; plus strand).
Variant type: single nucleotide variant.
Genome position: chrM-7525-T-C.
Identifiers: ClinVar variation 690038 (VCV000690038.1), dbSNP rs1603220995, ClinGen allele CA913177299.